The following is an entry in ClinVar:

ClinVar aggregate classification (germline): Uncertain significance (1 of 4 stars; one submission).

Submission:

Labcorp Genetics (formerly Invitae), Labcorp
Classification: Uncertain significance. Last evaluated: 2022-08-15. Review status: criteria provided, single submitter. Criteria: Invitae Variant Classification Sherloc (09022015). Collection method: clinical testing. Allele origin: germline.
Comment: In summary, the available evidence is currently insufficient to determine the role of this variant in disease. Therefore, it has been classified as a Variant of Uncertain Significance. This variant has not been reported in the literature in individuals affected with ASXL2-related conditions. This variant is a gross deletion of the genomic region encompassing exon(s) 4 of the ASXL2 gene. This deletion is out-of-frame, and is expected to create a premature translational stop signal and result in an absent or disrupted protein product. However, the current clinical and genetic evidence is not sufficient to establish whether loss-of-function variants in ASXL2 cause disease.

NC_000002.11:g.(?_26029078)_(26029226_?)del

Gene: ASXL2 (ASXL transcriptional regulator 2; minus strand). Cytogenetic location: 2p23.3.
Variant type: Deletion.
Identifiers: ClinVar variation 1412148 (VCV001412148.5).